The following is an entry in ClinVar:

ClinVar aggregate classification (germline): Pathogenic (1 of 4 stars; one submission).

Conditions:
Rare genetic deafness. Identifiers: Orphanet 96210, MedGen C5680250.

Allele frequency attached by ClinVar (database versions not stated): TOPMed below 0.00001; gnomAD exomes 0.00001; gnomAD 0.00002.

Submission:

Laboratory for Molecular Medicine, Mass General Brigham Personalized Medicine
Classification: Pathogenic for Rare genetic deafness. Last evaluated: 2014-04-11. Review status: criteria provided, single submitter. Criteria: LMM Criteria. Collection method: clinical testing. Allele origin: germline. Inheritance: Autosomal recessive inheritance. Observed: 1 variant allele.
Comment: The Trp1162fs variant in STRC has not been previously identified in individuals with hearing loss and data from large population studies is insufficient to asse ss the frequency of this variant. This variant is predicted to cause a frameshif t, which alters the protein?s amino acid sequence beginning at position 1162 and lead to a premature termination codon 46 amino acids downstream. This alteratio n is then predicted to lead to a truncated or absent protein. In summary, this v ariant meets our criteria to be classified as pathogenic (. org/LMM).

NM_153700.2(STRC):c.3484del (p.Trp1162fs)

Gene: STRC (stereocilin; minus strand). Cytogenetic location: 15q15.3.
Variant type: Deletion.
Coding change: c.3484del on transcript NM_153700.2 (MANE Select); coding-DNA position 3484, one base deleted (T; older notation c.3484delT).
Protein change: p.Trp1162fs; shifts the reading frame from tryptophan 1162.
Molecular consequence: frameshift variant.
Genome position (GRCh38, 1-based): chr15:43,610,326, A deleted on the plus strand (T on the coding strand, the reverse complement: STRC is on the minus strand). VCF-style (leftmost placement, unchanged base first): chr15-43610325-CA-C. GRCh37 (hg19) VCF-style: chr15-43902523-CA-C.
Other names: c.3484delT (NM_153700.2); short protein forms W1162fs.
Identifiers: ClinVar variation 179717 (VCV000179717.5), dbSNP rs727505074, ClinGen allele CA273644.
Genomic context (GRCh38, chr15:43,610,325, plus strand): 5'-AGACTACATTGAGGGAGGAAGTTCTGAAATTAAGTGGGGAGAATTACCTGCTGCTCAGAC[CA>C]GGGCAGCTCCCAGTAGCGTCTTCGATTTGCCAGAAGAGCCAAGGAATCCAGTTGTAGCAG-3'